The following is an entry in ClinVar:

ClinVar aggregate classification (germline): Uncertain significance (1 of 4 stars; one submission).

Conditions:
Hereditary cancer-predisposing syndrome. Also called: Neoplastic Syndromes, Hereditary; Tumor predisposition; Hereditary Cancer Syndrome; Hereditary neoplastic syndrome. Identifiers: Orphanet 140162, MedGen C0027672, MeSH D009386, MONDO:0015356.

Submission:

Ambry Genetics
Classification: Uncertain significance for Hereditary cancer-predisposing syndrome. Last evaluated: 2026-01-18. Review status: criteria provided, single submitter. Criteria: Ambry Variant Classification Scheme 2023. Collection method: clinical testing. Allele origin: germline.
Comment: The p.A234G variant (also known as c.701C>G), located in coding exon 6 of the CDH1 gene, results from a C to G substitution at nucleotide position 701. The alanine at codon 234 is replaced by glycine, an amino acid with similar properties. This amino acid position is conserved. In addition, this alteration is predicted to be deleterious by in silico analysis. Based on the available evidence, the clinical significance of this variant remains unclear.

NM_004360.5(CDH1):c.701C>G (p.Ala234Gly)

Gene: CDH1 (cadherin 1; plus strand). Cytogenetic location: 16q22.1.
Variant type: single nucleotide variant.
Coding change: c.701C>G on transcript NM_004360.5 (MANE Select); coding-DNA position 701, C replaced by G.
Protein change: p.Ala234Gly; replaces alanine 234 with glycine.
Molecular consequence: missense variant. On other transcripts: 5 prime UTR variant (2).
Genome position (GRCh38, 1-based): chr16:68,810,210, C>G. VCF-style: chr16-68810210-C-G. GRCh37 (hg19) VCF-style: chr16-68844113-C-G.
Other names: c.701C>G, p.Ala234Gly (NM_001317184.2); c.-915C>G (NM_001317185.2); c.-1119C>G (NM_001317186.2); short protein forms A234G.
Identifiers: ClinVar variation 4825312 (VCV004825312.1).
Genomic context (GRCh38, chr16:68,810,210, plus strand): 5'-TTTTCTTCCTCATCAGAGCTCAAGTCACCCTCACTTGGTTCTTTCAGCTCTTCTCTCACG[C>G]TGTGTCATCCAACGGGAATGCAGTTGAGGATCCAATGGAGATTTTGATCACGGTAACCGA-3'
Protein context (NP_004351.1, residues 224-244): RIATYTLFSH[Ala234Gly]VSSNGNAVED